The following is an entry in ClinVar:

NM_000228.3(LAMB3):c.1426C>T (p.Gln476Ter)

Gene: LAMB3 (laminin subunit beta 3; minus strand). Cytogenetic location: 1q32.2.
Variant type: single nucleotide variant.
Coding change: c.1426C>T on transcript NM_000228.3 (MANE Select); coding-DNA position 1426, C replaced by T.
Protein change: p.Gln476Ter; replaces glutamine 476 with a stop codon.
Molecular consequence: nonsense.
Genome position (GRCh38, 1-based): chr1:209,627,442, G>A on the plus strand (C>T on the coding strand, the complement: LAMB3 is on the minus strand). VCF-style: chr1-209627442-G-A. GRCh37 (hg19) VCF-style: chr1-209800787-G-A.
Other names: c.1426C>T, p.Gln476Ter (NM_001017402.2, NM_001127641.1); short protein forms Q476*.
Identifiers: ClinVar variation 984099 (VCV000984099.6), dbSNP rs1666507638, ClinGen allele CA344591077.

ClinVar aggregate classification (germline): Pathogenic/Likely pathogenic. Review status: criteria provided, multiple submitters, no conflicts (2 of 4 stars). 2 submissions from 2 submitters: Pathogenic (1); Likely pathogenic (1). Last evaluated 2023-12-22.

Conditions:
Junctional epidermolysis bullosa gravis of Herlitz. Also called: Epidermolysis Bullosa Letalis; EPIDERMOLYSIS BULLOSA JUNCTIONALIS, HERLITZ TYPE; EPIDERMOLYSIS BULLOSA, JUNCTIONAL, HERLITZ-PEARSON TYPE; JEB-HERLITZ TYPE; Herlitz-type junctional epidermolysis bullosa; EPIDERMOLYSIS BULLOSA, JUNCTIONAL 1B, SEVERE. Identifiers: Orphanet 79404, MedGen C0079683, MONDO:0009182, OMIM 226700.

Submissions (2):

Labcorp Genetics (formerly Invitae), Labcorp
Classification: Pathogenic. Last evaluated: 2023-12-22. Review status: criteria provided, single submitter. Criteria: Invitae Variant Classification Sherloc (09022015). Collection method: clinical testing. Allele origin: germline.
Comment: This sequence change creates a premature translational stop signal (p.Gln476*) in the LAMB3 gene. It is expected to result in an absent or disrupted protein product. Loss-of-function variants in LAMB3 are known to be pathogenic (PMID: 11023379, 16473856). This variant is not present in population databases (gnomAD no frequency). This variant has not been reported in the literature in individuals affected with LAMB3-related conditions. ClinVar contains an entry for this variant (Variation ID: 984099). For these reasons, this variant has been classified as Pathogenic.

Myriad Genetics, Inc.
Classification: Likely pathogenic for Junctional epidermolysis bullosa gravis of Herlitz. Last evaluated: 2019-06-02. Review status: criteria provided, single submitter. Criteria: Myriad Women's Health Autosomal Recessive and X-Linked Classification Criteria (2019). Collection method: clinical testing. Allele origin: unknown.
Comment: NM_000228.2(LAMB3):c.1426C>T(Q476*) is expected to be pathogenic in the context of Herlitz junctional epidermolysis bullosa, LAMB3-related. This variant is predicted to lead to an abnormal or absent protein product due to the creation of a premature termination codon in LAMB3, a gene where loss-of-function variants are known to be pathogenic. Please note: this variant was assessed in the context of healthy population screening.

Literature cited by the submitters: PubMed 11023379 (cited by Labcorp Genetics (formerly Invitae), Labcorp); PubMed 16473856 (cited by Labcorp Genetics (formerly Invitae), Labcorp).